The following is an entry in ClinVar:

ClinVar aggregate classification (germline): Uncertain significance. Review status: criteria provided, multiple submitters, no conflicts (2 of 4 stars). 3 submissions from 3 submitters: Uncertain significance (3). Last evaluated 2026-06-01.

Conditions:
VWF-related disorder. Also called: VWF-related disorders; VWF-related condition.
Hereditary von Willebrand disease. Identifiers: Orphanet 903, MedGen C5703318, MONDO:0019565. Inheritance: Autosomal recessive or Autosomal dominant.

Allele frequency attached by ClinVar (database versions not stated): gnomAD exomes below 0.00001.

Submissions (3):

PreventionGenetics, part of Exact Sciences
Classification: Uncertain significance for VWF-related condition. Last evaluated: 2026-06-01. Review status: criteria provided, single submitter. Criteria: ACMG Guidelines, 2015. Collection method: clinical testing. Allele origin: germline.
Comment: The VWF c.2299T>C variant is predicted to result in the amino acid substitution p.Cys767Arg. This variant was reported in an individual with a coagulation disorder (Downes et al. 2019. PubMed ID: 31064749). This variant has not been reported in a large population database (gnomAD), indicating this variant is rare. At this time, the clinical significance of this variant is uncertain due to the absence of conclusive functional and genetic evidence.

Mayo Clinic Laboratories, Mayo Clinic
Classification: Uncertain significance. Last evaluated: 2024-05-10. Review status: criteria provided, single submitter. Criteria: ACMG Guidelines, 2015. Collection method: clinical testing. Allele origin: germline. Observed: 1 variant allele.
Comment: PM2_moderate

NIHR Bioresource Rare Diseases, University of Cambridge
Classification: Uncertain significance for von Willebrand disorder. Last evaluated: 2019-02-01. Review status: criteria provided, single submitter. Criteria: ACMG Guidelines, 2015. Collection method: research. Allele origin: unknown. Affected: yes. Observed: 1 compound heterozygote. Study: ThromboGenomics.

Literature cited by the submitters: PubMed 31064749 (cited by Mayo Clinic Laboratories, Mayo Clinic and NIHR Bioresource Rare Diseases, University of Cambridge).

NM_000552.5(VWF):c.2299T>C (p.Cys767Arg)

Gene: VWF (von Willebrand factor; minus strand). Cytogenetic location: 12p13.31.
Variant type: single nucleotide variant.
Coding change: c.2299T>C on transcript NM_000552.5 (MANE Select); coding-DNA position 2299, T replaced by C.
Protein change: p.Cys767Arg; replaces cysteine 767 with arginine.
Molecular consequence: missense variant.
Genome position (GRCh38, 1-based): chr12:6,044,434, A>G on the plus strand (T>C on the coding strand, the complement: VWF is on the minus strand). VCF-style: chr12-6044434-A-G. GRCh37 (hg19) VCF-style: chr12-6153600-A-G.
Other names: p.Cys767Arg; c.2299T>C (NM_000552.4); short protein forms C767R.
Identifiers: ClinVar variation 627036 (VCV000627036.4), dbSNP rs1591880825, ClinGen allele CA383522540.